The following is an entry in ClinVar:

NM_000135.4(FANCA):c.3753C>T (p.Cys1251=)

Gene: FANCA (FA complementation group A; minus strand). Cytogenetic location: 16q24.3.
Variant type: single nucleotide variant.
Coding change: c.3753C>T on transcript NM_000135.4 (MANE Select); coding-DNA position 3753, C replaced by T.
Protein change: p.Cys1251=; no amino-acid change (cysteine 1251 retained).
Molecular consequence: synonymous variant.
Genome position (GRCh38, 1-based): chr16:89,742,812, G>A on the plus strand (C>T on the coding strand, the complement: FANCA is on the minus strand). VCF-style: chr16-89742812-G-A. GRCh37 (hg19) VCF-style: chr16-89809220-G-A.
Other names: c.3753C>T, p.Cys1251= (NM_001286167.3).
Identifiers: ClinVar variation 2161155 (VCV002161155.1), dbSNP rs752126515, ClinGen allele CA8251002.

ClinVar aggregate classification (germline): Uncertain significance (1 of 4 stars; one submission).

Conditions:
Fanconi anemia (FA). Also called: Fanconi's anemia. Identifiers: Orphanet 84, MedGen C0015625, MeSH D005199, MONDO:0019391.

Allele frequency attached by ClinVar (database versions not stated): TOPMed below 0.00001; gnomAD exomes 0.00001; ExAC 0.00002.
gnomAD v4.1: 9 of 1,614,034 alleles (0.00056%); highest among the groups gnomAD compares: East Asian, 0.0022%; no homozygotes.

Submission:

Labcorp Genetics (formerly Invitae), Labcorp
Classification: Uncertain significance for Fanconi anemia. Last evaluated: 2022-05-05. Review status: criteria provided, single submitter. Criteria: Invitae Variant Classification Sherloc (09022015). Collection method: clinical testing. Allele origin: germline.
Comment: This sequence change affects codon 1251 of the FANCA mRNA. It is a 'silent' change, meaning that it does not change the encoded amino acid sequence of the FANCA protein. This variant is present in population databases (rs752126515, gnomAD 0.006%). This variant has not been reported in the literature in individuals affected with FANCA-related conditions. Algorithms developed to predict the effect of sequence changes on RNA splicing suggest that this variant may disrupt the consensus splice site. In summary, the available evidence is currently insufficient to determine the role of this variant in disease. Therefore, it has been classified as a Variant of Uncertain Significance.